The following is an entry in ClinVar:

NM_000261.2(MYOC):c.227G>A (p.Arg76Lys)

Gene: MYOC (myocilin; minus strand). Cytogenetic location: 1q24.3.
Variant type: single nucleotide variant.
Coding change: c.227G>A on transcript NM_000261.2 (MANE Select); coding-DNA position 227, G replaced by A.
Protein change: p.Arg76Lys; replaces arginine 76 with lysine.
Molecular consequence: missense variant.
Genome position (GRCh38, 1-based): chr1:171,652,385, C>T on the plus strand (G>A on the coding strand, the complement: MYOC is on the minus strand). VCF-style: chr1-171652385-C-T. GRCh37 (hg19) VCF-style: chr1-171621525-C-T.
Other names: NM_000261.2(MYOC):c.227G>A; short protein forms R76K.
Identifiers: ClinVar variation 193066 (VCV000193066.66), dbSNP rs2234926, ClinGen allele CA200294.

ClinVar aggregate classification (germline): Benign. Review status: reviewed by expert panel (3 of 4 stars). 10 submissions from 9 submitters: Benign (1). 9 of the submissions do not count toward it. Last evaluated 2025-11-12.

Conditions:
Open-angle glaucoma. Identifiers: MedGen C0017612, MONDO:0005338, HP:0012108.
Glaucoma. Identifiers: MedGen C0017601, MONDO:0005041, HP:0000501.
Glaucoma 1, open angle, A (GLC1A). Also called: Glaucoma, Dominant (Juvenile Onset). Identifiers: Orphanet 98977, MedGen C1842028, MONDO:0007664, OMIM 137750.

Allele frequency attached by ClinVar (database versions not stated): TOPMed 0.09357; ESP Exome Variant Server 0.09819; gnomAD 0.09970 and 0.10770; 1000 Genomes Project 30x 0.13070; 1000 Genomes Project 0.13618; gnomAD exomes 0.14167 and 0.14745; ExAC 0.15010.
gnomAD v4.1: 223,139 of 1,613,274 alleles (14%); highest among the groups gnomAD compares: South Asian, 34%; 18,563 homozygotes.

Submissions (10):

ClinGen Glaucoma Variant Curation Expert Panel
Classification: Benign for Open-angle glaucoma. Last evaluated: 2025-11-12. Review status: reviewed by expert panel. Criteria: ClinGen Glaucoma ACMG Specifications V2.0.0 Approved. Collection method: curation. Allele origin: germline. Inheritance: Autosomal dominant inheritance.
Comment: The c.227G>A variant in MYOC is a missense variant predicted to cause substitution of Arginine by Lysine at amino acid 76 (p.Arg76Lys). The highest minor allele frequency of this variant was in the South Asian genetic ancestry group of gnomAD (v4.1.0) = 0.3414, which met the ≥ 0.01 threshold set for BA1 (31,088 alleles out of 91,050, meeting the threshold of ≥ 5 of at least 2,000 observed alleles). The REVEL score = 0.203, which is within the 0.184-0.290 range for BP4, suggesting that the variant does not impact MYOC function. The Arg76Lys protein had similar solubility and secretion levels to wild type myocilin protein in these studies (PMIDs: 35196929, 16466712). The assays met the OddsPath threshold for BS3_Moderate (< 0.23), indicating that this variant did not impact protein function. As BA1 was met, PP1 did not apply and segregations were not counted. Although probands with juvenile or primary open angle glaucoma have been reported carrying this variant, PM2_Supporting was not met, therefore PS4 did not apply. In summary, this variant was classified as benign (BA1 is a stand-alone criterion for a benign level of pathogenicity) for juvenile open angle glaucoma based on the ACMG/AMP criteria met, as specified by the ClinGen Glaucoma VCEP (v2.0.0, 5 Dec 2024): BA1, BS3_Moderate, BP4

Labcorp Genetics (formerly Invitae), Labcorp
Classification: Benign. Last evaluated: 2026-01-26. Review status: criteria provided, single submitter. Criteria: Invitae Variant Classification Sherloc (09022015). Collection method: clinical testing. Allele origin: germline. Not counted in ClinVar's aggregate classification.

Genomic Medicine Center of Excellence, King Faisal Specialist Hospital and Research Centre
Classification: Likely benign for Glaucoma 1, open angle, A. Last evaluated: 2025-07-30. Review status: criteria provided, single submitter. Criteria: ACMG Guidelines, 2015. Collection method: clinical testing. Allele origin: germline. Not counted in ClinVar's aggregate classification.

Illumina Laboratory Services, Illumina
Classification: Likely benign for Glaucoma. Last evaluated: 2017-04-27. Review status: criteria provided, single submitter. Criteria: ICSL Variant Classification Criteria 13 December 2019. Collection method: clinical testing. Allele origin: germline. Not counted in ClinVar's aggregate classification.
Comment: This variant was observed as part of a predisposition screen in an ostensibly healthy population. A literature search was performed for the gene, cDNA change, and amino acid change (where applicable). No publications were found based on this search. Allele frequency data from public databases allowed determination this variant is unlikely to cause disease. Therefore, this variant is classified as likely benign.

Illumina Laboratory Services, Illumina
Classification: Likely benign for Glaucoma 1, open angle, A. Last evaluated: 2017-04-27. Review status: criteria provided, single submitter. Criteria: ICSL Variant Classification Criteria 13 December 2019. Collection method: clinical testing. Allele origin: germline. Not counted in ClinVar's aggregate classification.
Comment: This variant was observed as part of a predisposition screen in an ostensibly healthy population. A literature search was performed for the gene, cDNA change, and amino acid change (where applicable). Publications were found based on this search. The evidence from the literature, in combination with allele frequency data from public databases where available, was sufficient to determine this variant is unlikely to cause disease. Therefore, this variant is classified as likely benign.

CeGaT Center for Human Genetics Tuebingen
Classification: Uncertain significance. Last evaluated: 2016-10-01. Review status: criteria provided, single submitter. Criteria: CeGaT Center For Human Genetics Tuebingen Variant Classification Criteria Version 2. Collection method: clinical testing. Allele origin: germline. Affected: yes. Observed: 1 variant allele. Not counted in ClinVar's aggregate classification.

GeneDx
Classification: Benign. Last evaluated: 2015-03-03. Review status: criteria provided, single submitter. Criteria: GeneDx Variant Classification Process June 2021. Collection method: clinical testing. Allele origin: germline. Affected: yes. Not counted in ClinVar's aggregate classification.
Comment: This variant is associated with the following publications: (PMID: 18449353, 17361544, 28792703, 22449891, 15025728, 27884173, 21168818, 23029558, 14688426, 23517641, 16466712)

Eurofins Ntd Llc (ga)
Classification: Benign. Last evaluated: 2014-06-10. Review status: criteria provided, single submitter. Criteria: EGL Classification Definitions 2015. Collection method: clinical testing. Allele origin: germline. Observed: 1 variant allele, 1 heterozygote. Not counted in ClinVar's aggregate classification.

Breakthrough Genomics
Classification: Benign. Review status: criteria provided, single submitter. Criteria: ACMG Guidelines, 2015. Collection method: not provided. Allele origin: germline. Inheritance: Autosomal dominant inheritance. Affected: yes. Not counted in ClinVar's aggregate classification.

PreventionGenetics, part of Exact Sciences
Classification: Benign. Review status: criteria provided, single submitter. Criteria: ACMG Guidelines, 2015. Collection method: clinical testing. Allele origin: germline. Not counted in ClinVar's aggregate classification.

Literature cited by the submitters: PubMed 16466712 (cited by ClinGen Glaucoma Variant Curation Expert Panel); PubMed 35196929 (cited by ClinGen Glaucoma Variant Curation Expert Panel); PubMed 18776955 (cited by Illumina Laboratory Services, Illumina); PubMed 23029558 (cited by Illumina Laboratory Services, Illumina); PubMed 9535666 (cited by Illumina Laboratory Services, Illumina).